The following is an entry in ClinVar:

ClinVar aggregate classification (germline): Uncertain significance (1 of 4 stars; one submission).

Conditions:
Diamond-Blackfan anemia. Also called: Blackfan Diamond syndrome; Aregenerative anemia chronic congenital; Red cell aplasia, pure hereditary; Congenital hypoplastic anemia; Aase syndrome. Identifiers: Orphanet 124, MedGen C1260899, MeSH D029503, MONDO:0015253, HP:0004810.
GATA binding protein 1 related thrombocytopenia with dyserythropoiesis. Also called: GATA1-Related Cytopenia; GATA1-Related X-Linked Cytopenia. Identifiers: MedGen C1845837, MONDO:0100089.

Submission:

Labcorp Genetics (formerly Invitae), Labcorp
Classification: Uncertain significance for GATA binding protein 1 related thrombocytopenia with dyserythropoiesis; Diamond-Blackfan anemia. Last evaluated: 2022-10-05. Review status: criteria provided, single submitter. Criteria: Invitae Variant Classification Sherloc (09022015). Collection method: clinical testing. Allele origin: germline.
Comment: In summary, the available evidence is currently insufficient to determine the role of this variant in disease. Therefore, it has been classified as a Variant of Uncertain Significance. Algorithms developed to predict the effect of missense changes on protein structure and function are either unavailable or do not agree on the potential impact of this missense change (SIFT: "Tolerated"; PolyPhen-2: "Probably Damaging"; Align-GVGD: "Class C0"). ClinVar contains an entry for this variant (Variation ID: 1377732). This variant has not been reported in the literature in individuals affected with GATA1-related conditions. This variant is not present in population databases (gnomAD no frequency). This sequence change replaces serine, which is neutral and polar, with proline, which is neutral and non-polar, at codon 393 of the GATA1 protein (p.Ser393Pro).

NM_002049.4(GATA1):c.1177T>C (p.Ser393Pro)

Gene: GATA1 (GATA binding protein 1; plus strand). Cytogenetic location: Xp11.23.
Variant type: single nucleotide variant.
Coding change: c.1177T>C on transcript NM_002049.4 (MANE Select); coding-DNA position 1177, T replaced by C.
Protein change: p.Ser393Pro; replaces serine 393 with proline.
Molecular consequence: missense variant.
Genome position (GRCh38, 1-based): chrX:48,794,099, T>C. VCF-style: chrX-48794099-T-C. GRCh37 (hg19) VCF-style: chrX-48652506-T-C.
Other names: short protein forms S393P.
Identifiers: ClinVar variation 1377732 (VCV001377732.8), dbSNP rs2147307800, ClinGen allele CA412872538.